The following is an entry in ClinVar:

NM_001114748.2(TMEM240):c.216C>T (p.Asp72=)

Gene: TMEM240 (transmembrane protein 240; minus strand). Cytogenetic location: 1p36.33.
Variant type: single nucleotide variant.
Coding change: c.216C>T on transcript NM_001114748.2 (MANE Select); coding-DNA position 216, C replaced by T.
Protein change: p.Asp72=; no amino-acid change (aspartic acid 72 retained).
Molecular consequence: synonymous variant.
Genome position (GRCh38, 1-based): chr1:1,535,746, G>A on the plus strand (C>T on the coding strand, the complement: TMEM240 is on the minus strand). VCF-style: chr1-1535746-G-A. GRCh37 (hg19) VCF-style: chr1-1471126-G-A.
Other names: p.Asp72=.
Identifiers: ClinVar variation 720069 (VCV000720069.43), dbSNP rs114114317, ClinGen allele CA526694.

ClinVar aggregate classification (germline): Benign/Likely benign. Review status: criteria provided, multiple submitters, no conflicts (2 of 4 stars). 6 submissions from 6 submitters: Benign (4); Likely benign (1). 1 of the submissions does not count toward it. Last evaluated 2026-01-19.

Conditions:
TMEM240-related disorder. Also called: TMEM240-related condition.

Allele frequency attached by ClinVar (database versions not stated): 1000 Genomes Project 30x 0.00344; 1000 Genomes Project 0.00399; ExAC 0.00560; gnomAD exomes 0.00711 and 0.01377; gnomAD 0.00845 and 0.00879; TOPMed 0.00852; ESP Exome Variant Server 0.00854.
gnomAD v4.1: 20,389 of 1,550,318 alleles (1.3%); highest among the groups gnomAD compares: Non-Finnish European, 1.6%; 189 homozygotes.

Submissions (6):

Labcorp Genetics (formerly Invitae), Labcorp
Classification: Benign. Last evaluated: 2026-01-19. Review status: criteria provided, single submitter. Criteria: Invitae Variant Classification Sherloc (09022015). Collection method: clinical testing. Allele origin: germline.

Blueprint Genetics
Classification: Likely benign. Last evaluated: 2024-11-25. Review status: criteria provided, single submitter. Criteria: ACMG Guidelines, 2015. Collection method: clinical testing. Allele origin: germline.

CeGaT Center for Human Genetics Tuebingen
Classification: Benign. Last evaluated: 2024-06-01. Review status: criteria provided, single submitter. Criteria: CeGaT Center For Human Genetics Tuebingen Variant Classification Criteria Version 2. Collection method: clinical testing. Allele origin: germline. Affected: yes. Observed: 11 variant alleles.
Comment: TMEM240: BP4, BP7, BS1, BS2

Mayo Clinic Laboratories, Mayo Clinic
Classification: Benign. Last evaluated: 2023-09-05. Review status: criteria provided, single submitter. Criteria: ACMG Guidelines, 2015. Collection method: clinical testing. Allele origin: germline. Observed: 15 variant alleles.
Comment: BS1, BS2, BP4, BP7

Breakthrough Genomics
Classification: Benign. Review status: criteria provided, single submitter. Criteria: ACMG Guidelines, 2015. Collection method: not provided. Allele origin: germline. Inheritance: Autosomal dominant inheritance. Affected: yes.

PreventionGenetics, part of Exact Sciences
Classification: Benign for TMEM240-related condition. Last evaluated: 2020-02-11. Review status: no assertion criteria provided. Collection method: clinical testing. Allele origin: germline. Not counted in ClinVar's aggregate classification.
Comment: This variant is classified as benign based on ACMG/AMP sequence variant interpretation guidelines (Richards et al. 2015 PMID: 25741868, with internal and published modifications).